The following is an entry in ClinVar:

ClinVar aggregate classification (germline): Uncertain significance (1 of 4 stars; one submission).

Conditions:
Parkinsonism-dystonia, infantile. Identifiers: Orphanet 238455, MedGen C2751067, MONDO:0013150.

gnomAD v4.1: 6 of 1,614,178 alleles (0.00037%); highest among the groups gnomAD compares: Admixed American, 0.005%; no homozygotes.

Submission:

Labcorp Genetics (formerly Invitae), Labcorp
Classification: Uncertain significance for Parkinsonism-dystonia, infantile. Last evaluated: 2022-05-04. Review status: criteria provided, single submitter. Criteria: Invitae Variant Classification Sherloc (09022015). Collection method: clinical testing. Allele origin: germline.
Comment: This sequence change replaces glycine, which is neutral and non-polar, with tryptophan, which is neutral and slightly polar, at codon 209 of the SLC6A3 protein (p.Gly209Trp). This variant is present in population databases (rs372788698, gnomAD 0.006%). This variant has not been reported in the literature in individuals affected with SLC6A3-related conditions. Algorithms developed to predict the effect of missense changes on protein structure and function are either unavailable or do not agree on the potential impact of this missense change (SIFT: "Deleterious"; PolyPhen-2: "Benign"; Align-GVGD: "Class C0"). In summary, the available evidence is currently insufficient to determine the role of this variant in disease. Therefore, it has been classified as a Variant of Uncertain Significance.

NM_001044.5(SLC6A3):c.625G>T (p.Gly209Trp)

Gene: SLC6A3 (solute carrier family 6 member 3). Cytogenetic location: 5p15.33.
Variant type: single nucleotide variant.
Coding change: c.625G>T on transcript NM_001044.5 (MANE Select); coding-DNA position 625, G replaced by T.
Protein change: p.Gly209Trp; replaces glycine 209 with tryptophan.
Molecular consequence: missense variant.
Genome position (GRCh38, 1-based): chr5:1,432,492, C>A on the plus strand (G>T on the coding strand, the complement: SLC6A3 is on the minus strand). VCF-style: chr5-1432492-C-A. GRCh37 (hg19) VCF-style: chr5-1432607-C-A.
Other names: short protein forms G209W.
Identifiers: ClinVar variation 2169896 (VCV002169896.1), dbSNP rs372788698, ClinGen allele CA3186328.